The following is an entry in ClinVar:

ClinVar aggregate classification (germline): Pathogenic/Likely pathogenic. Review status: criteria provided, multiple submitters, no conflicts (2 of 4 stars). 3 submissions from 3 submitters: Pathogenic (2); Likely pathogenic (1). Last evaluated 2025-06-29.

Conditions:
Inborn genetic diseases. Identifiers: MedGen C0950123, MeSH D030342.
Charcot-Marie-Tooth disease, type I (CMT1). Also called: Charcot-Marie-Tooth disease type 1; Charcot-Marie-Tooth, Type 1. Identifiers: Orphanet 65753, MedGen C0751036, MONDO:0019011.

Submissions (3):

Labcorp Genetics (formerly Invitae), Labcorp
Classification: Pathogenic for Charcot-Marie-Tooth disease, type I. Last evaluated: 2025-06-29. Review status: criteria provided, single submitter. Criteria: Invitae Variant Classification Sherloc (09022015). Collection method: clinical testing. Allele origin: germline.
Comment: This sequence change creates a premature translational stop signal (p.Thr216Asnfs*19) in the MPZ gene. While this is not anticipated to result in nonsense mediated decay, it is expected to disrupt the last 33 amino acid(s) of the MPZ protein. This variant is not present in population databases (gnomAD no frequency). This premature translational stop signal has been observed in individuals with Charcot Marie Tooth disease (PMID: 26310628). Invitae Evidence Modeling of clinical and family history, age, sex, and reported ancestry of multiple individuals with this MPZ variant has been performed. This variant is expected to be pathogenic with a positive predictive value of at least 99%. This is a validated machine learning model that incorporates the clinical features of 13,236 individuals referred to our laboratory for MPZ testing. ClinVar contains an entry for this variant (Variation ID: 462798). This variant disrupts a region of the MPZ protein in which other variant(s) (p.Glu222Valfs*14) have been determined to be pathogenic (PMID: 7530550). This suggests that this is a clinically significant region of the protein, and that variants that disrupt it are likely to be disease-causing. For these reasons, this variant has been classified as Pathogenic.

Ambry Genetics
Classification: Likely pathogenic for Inborn genetic diseases. Last evaluated: 2023-10-10. Review status: criteria provided, single submitter. Criteria: Ambry Variant Classification Scheme 2023. Collection method: clinical testing. Allele origin: germline.
Comment: The c.646dupA (p.T216Nfs*19) alteration, located in exon 6 (coding exon 6) of the MPZ gene, consists of a duplication of A at position 646, causing a translational frameshift with a predicted alternate stop codon after 19 amino acids. This alteration occurs at the 3' terminus of the MPZ gene, is not expected to trigger nonsense-mediated mRNA decay, and impacts the last 13% of the protein. However, premature stop codons are typically deleterious in nature, the impacted region is critical for protein function, and a significant portion of the protein is affected (Ambry internal data)._x000D_ _x000D_ _x000D_ _x000D_ for autosomal dominant MPZ-related Charcot-Marie-Tooth disease type 1 and autosomal recessive MPZ-related Dejerine-Sottas disease; however, its classification for autosomal dominant MPZ-related neuropathic disorders is uncertain. This variant was not reported in population-based cohorts in the Genome Aggregation Database (gnomAD). This variant has been identified in at least one individual with clinical features of Charcot-Marie-Tooth disease (Sanmaneechai, 2015). Based on internal structural analysis, this variant results in loss of Ser233, phosphorylation of which is necessary for P0 adhesion function, and loss of a PKC substrate motif (RSTK) (Gaboreanu, 2007; Hilmi, 1995; Xu, 2001). Based on the available evidence, this alteration is classified as likely pathogenic.

Athena Diagnostics
Classification: Pathogenic. Last evaluated: 2018-05-31. Review status: criteria provided, single submitter. Criteria: Athena Diagnostics Criteria. Collection method: clinical testing. Allele origin: germline.

Literature cited by the submitters: PubMed 26310628 (cited by 3 submitters); PubMed 7530550 (cited by Labcorp Genetics (formerly Invitae), Labcorp); PubMed 7530295 (cited by Ambry Genetics); PubMed 11673479 (cited by Ambry Genetics); PubMed 17502419 (cited by Ambry Genetics); PubMed 25614874 (cited by Athena Diagnostics).

NM_000530.8(MPZ):c.646dup (p.Thr216fs)

Gene: MPZ (myelin protein zero; minus strand). Cytogenetic location: 1q23.3.
Variant type: Duplication.
Coding change: c.646dup on transcript NM_000530.8 (MANE Select); coding-DNA position 646, one base duplicated (A; older notation c.646dupA).
Protein change: p.Thr216fs; shifts the reading frame from threonine 216.
Molecular consequence: frameshift variant.
Genome position (GRCh38, 1-based): chr1:161,305,977, T duplicated on the plus strand (A on the coding strand, the reverse complement: MPZ is on the minus strand). VCF-style (leftmost placement, unchanged base first): chr1-161305976-G-GT. GRCh37 (hg19) VCF-style: chr1-161275766-G-GT.
Other names: c.646dupA (NM_000530.6); c.646dup (LRG_256t1); c.646dup, p.Thr216fs (NM_001315491.2); short protein forms T216fs.
Identifiers: ClinVar variation 462798 (VCV000462798.11), dbSNP rs1553259511, ClinGen allele CA658656970.